The following is an entry in ClinVar:

NM_020780.2(DISP3):c.1275C>T (p.Phe425=)

Gene: DISP3 (dispatched RND transporter family member 3; plus strand). Cytogenetic location: 1p36.22.
Variant type: single nucleotide variant.
Coding change: c.1275C>T on transcript NM_020780.2 (MANE Select); coding-DNA position 1275, C replaced by T.
Protein change: p.Phe425=; no amino-acid change (phenylalanine 425 retained).
Molecular consequence: synonymous variant.
Genome position (GRCh38, 1-based): chr1:11,502,856, C>T. VCF-style: chr1-11502856-C-T. GRCh37 (hg19) VCF-style: chr1-11562913-C-T.
Identifiers: ClinVar variation 3060865 (VCV003060865.2), dbSNP rs60362998, ClinGen allele CA591606.

ClinVar aggregate classification (germline): Benign (0 of 4 stars; one submission).

Conditions:
DISP3-related disorder. Also called: DISP3-related condition.

Allele frequency attached by ClinVar (database versions not stated): gnomAD exomes 0.08087; ExAC 0.10372; ESP Exome Variant Server 0.11938; TOPMed 0.12282; gnomAD 0.12771; 1000 Genomes Project 30x 0.14944; 1000 Genomes Project 0.15296.
gnomAD v4.1: 138,370 of 1,614,002 alleles (8.6%); highest among the groups gnomAD compares: African/African-American, 26%; 8,255 homozygotes.

Submission:

PreventionGenetics, part of Exact Sciences
Classification: Benign for DISP3-related condition. Last evaluated: 2019-10-30. Review status: no assertion criteria provided. Collection method: clinical testing. Allele origin: germline.
Comment: This variant is classified as benign based on ACMG/AMP sequence variant interpretation guidelines (Richards et al. 2015 PMID: 25741868, with internal and published modifications).